The following is an entry in ClinVar:

ClinVar aggregate classification (germline): Uncertain significance. Review status: criteria provided, multiple submitters, no conflicts (2 of 4 stars). 3 submissions from 3 submitters: Uncertain significance (3). Last evaluated 2025-07-22.

Conditions:
Hypertrophic cardiomyopathy. Also called: HYPERTROPHIC MYOCARDIOPATHY. Identifiers: Orphanet 217569, MedGen C0007194, MeSH D002312, MONDO:0005045, HP:0001639.
Cardiomyopathy (CMYO). Also called: Cardiomyopathies. Identifiers: Orphanet 167848, MedGen C0878544, MONDO:0004994, HP:0001638. Inheritance: Various modes of inheritance.

gnomAD v4.1: 1 of 1,580,868 alleles (0.000063%); highest among the groups gnomAD compares: Non-Finnish European, 0.000086%; no homozygotes.

Submissions (3):

Labcorp Genetics (formerly Invitae), Labcorp
Classification: Uncertain significance for Hypertrophic cardiomyopathy. Last evaluated: 2025-07-22. Review status: criteria provided, single submitter. Criteria: Invitae Variant Classification Sherloc (09022015). Collection method: clinical testing. Allele origin: germline.
Comment: This sequence change replaces arginine, which is basic and polar, with glutamine, which is neutral and polar, at codon 1176 of the MYH7 protein (p.Arg1176Gln). This variant is not present in population databases (gnomAD no frequency). This variant has not been reported in the literature in individuals affected with MYH7-related conditions. ClinVar contains an entry for this variant (Variation ID: 3387310). Invitae Evidence Modeling of protein sequence and biophysical properties (such as structural, functional, and spatial information, amino acid conservation, physicochemical variation, residue mobility, and thermodynamic stability) indicates that this missense variant is expected to disrupt MYH7 protein function with a positive predictive value of 95%. In summary, the available evidence is currently insufficient to determine the role of this variant in disease. Therefore, it has been classified as a Variant of Uncertain Significance.

All of Us Research Program, National Institutes of Health
Classification: Uncertain significance for Cardiomyopathy. Last evaluated: 2024-04-25. Review status: criteria provided, single submitter. Criteria: ACMG Guidelines, 2015. Collection method: clinical testing. Allele origin: germline. Inheritance: Autosomal dominant inheritance. Observed: 1 variant allele, 1 heterozygote.
Comment: This missense variant replaces arginine with glutamine at codon 1176 of the MYH7 protein. Computational prediction tools indicate that this variant's impact on protein structure and function is inconclusive. To our knowledge, functional studies have not been reported for this variant. This variant has not been reported in individuals affected with MYH7-related disorders in the literature. This variant has not been identified in the general population by the Genome Aggregation Database (gnomAD). The available evidence is insufficient to determine the role of this variant in disease conclusively. Therefore, this variant is classified as a Variant of Uncertain Significance.

This study involves interpretation of variants in research participants for the purpose of population health screening. Participant phenotype was not available at the time of variant classification. Additional details can be found in publication PMID: 35346344, PMCID: PMC8962531

Color Diagnostics, LLC DBA Color Health
Classification: Uncertain significance for Cardiomyopathy. Last evaluated: 2024-01-05. Review status: criteria provided, single submitter. Criteria: ACMG Guidelines, 2015. Collection method: clinical testing. Allele origin: germline.
Comment: This missense variant replaces arginine with glutamine at codon 1176 of the MYH7 protein. Computational prediction tools indicate that this variant's impact on protein structure and function is inconclusive. To our knowledge, functional studies have not been reported for this variant. This variant has not been reported in individuals affected with MYH7-related disorders in the literature. This variant has not been identified in the general population by the Genome Aggregation Database (gnomAD). The available evidence is insufficient to determine the role of this variant in disease conclusively. Therefore, this variant is classified as a Variant of Uncertain Significance.

NM_000257.4(MYH7):c.3527G>A (p.Arg1176Gln)

Gene: MYH7 (myosin heavy chain 7; minus strand). Cytogenetic location: 14q11.2.
Variant type: single nucleotide variant.
Coding change: c.3527G>A on transcript NM_000257.4 (MANE Select); coding-DNA position 3527, G replaced by A.
Protein change: p.Arg1176Gln; replaces arginine 1176 with glutamine.
Molecular consequence: missense variant.
Genome position (GRCh38, 1-based): chr14:23,420,044, C>T on the plus strand (G>A on the coding strand, the complement: MYH7 is on the minus strand). VCF-style: chr14-23420044-C-T. GRCh37 (hg19) VCF-style: chr14-23889253-C-T.
Other names: c.3527G>A, p.Arg1176Gln (NM_001407004.1); short protein forms R1176Q.
Identifiers: ClinVar variation 3387310 (VCV003387310.3).